The following is an entry in ClinVar:

ClinVar aggregate classification (germline): Uncertain significance. Review status: criteria provided, multiple submitters, no conflicts (2 of 4 stars). 2 submissions from 2 submitters: Uncertain significance (2). Last evaluated 2025-08-30.

Conditions:
Inborn genetic diseases. Identifiers: MedGen C0950123, MeSH D030342.

gnomAD v4.1: 7 of 1,613,920 alleles (0.00043%); highest among the groups gnomAD compares: Admixed American, 0.005%; no homozygotes.

Submissions (2):

Ambry Genetics
Classification: Uncertain significance for Inborn genetic diseases. Last evaluated: 2025-08-30. Review status: criteria provided, single submitter. Criteria: Ambry Variant Classification Scheme 2023. Collection method: clinical testing. Allele origin: germline.

Labcorp Genetics (formerly Invitae), Labcorp
Classification: Uncertain significance. Last evaluated: 2025-01-27. Review status: criteria provided, single submitter. Criteria: Invitae Variant Classification Sherloc (09022015). Collection method: clinical testing. Allele origin: germline.
Comment: This sequence change replaces arginine, which is basic and polar, with histidine, which is basic and polar, at codon 827 of the EMC1 protein (p.Arg827His). This variant is present in population databases (rs145843835, gnomAD 0.006%). This variant has not been reported in the literature in individuals affected with EMC1-related conditions. Invitae Evidence Modeling of protein sequence and biophysical properties (such as structural, functional, and spatial information, amino acid conservation, physicochemical variation, residue mobility, and thermodynamic stability) indicates that this missense variant is expected to disrupt EMC1 protein function with a positive predictive value of 80%. In summary, the available evidence is currently insufficient to determine the role of this variant in disease. Therefore, it has been classified as a Variant of Uncertain Significance.

NM_015047.3(EMC1):c.2480G>A (p.Arg827His)

Genes: EMC1 (ER membrane protein complex subunit 1; minus strand), EMC1-AS1 (EMC1 antisense RNA 1; plus strand). Cytogenetic location: 1p36.13.
Variant type: single nucleotide variant.
Coding change: c.2480G>A on transcript NM_015047.3 (MANE Select); coding-DNA position 2480, G replaced by A.
Protein change: p.Arg827His; replaces arginine 827 with histidine.
Molecular consequence: missense variant.
Genome position (GRCh38, 1-based): chr1:19,222,731, C>T on the plus strand (G>A on the coding strand, the complement: EMC1 is on the minus strand). VCF-style: chr1-19222731-C-T. GRCh37 (hg19) VCF-style: chr1-19549225-C-T.
Other names: c.2477G>A, p.Arg826His (NM_001271427.2, NM_001271428.2); c.2414G>A, p.Arg805His (NM_001271429.2); c.2489G>A, p.Arg830His (NM_001375820.1); c.2486G>A, p.Arg829His (NM_001375821.1); c.2480G>A (NM_015047.1); short protein forms R829H, R827H, R805H, R830H, R826H.
Identifiers: ClinVar variation 3730392 (VCV003730392.3).